The following is an entry in ClinVar:

NM_018486.3(HDAC8):c.942C>T (p.Cys314=)

Gene: HDAC8 (histone deacetylase 8; minus strand). Cytogenetic location: Xq13.1.
Variant type: single nucleotide variant.
Coding change: c.942C>T on transcript NM_018486.3 (MANE Select); coding-DNA position 942, C replaced by T.
Protein change: p.Cys314=; no amino-acid change (cysteine 314 retained).
Molecular consequence: synonymous variant. On other transcripts: 3 prime UTR variant (1), non-coding transcript variant (1).
Genome position (GRCh38, 1-based): chrX:72,462,067, G>A on the plus strand (C>T on the coding strand, the complement: HDAC8 is on the minus strand). VCF-style: chrX-72462067-G-A. GRCh37 (hg19) VCF-style: chrX-71681917-G-A.
Other names: c.669C>T, p.Cys223= (NM_001166418.2, NM_001410728.1); c.942C>T, p.Cys314= (NM_001410725.1); c.864C>T, p.Cys288= (NM_001410727.1); c.*22C>T (NM_001410729.1).
Identifiers: ClinVar variation 3250969 (VCV003250969.18), dbSNP rs2520356046.

ClinVar aggregate classification (germline): Likely benign (1 of 4 stars; one submission).

Submission:

CeGaT Center for Human Genetics Tuebingen
Classification: Likely benign. Last evaluated: 2024-06-01. Review status: criteria provided, single submitter. Criteria: CeGaT Center For Human Genetics Tuebingen Variant Classification Criteria Version 2. Collection method: clinical testing. Allele origin: germline. Affected: yes. Observed: 1 variant allele.
Comment: HDAC8: PM2:Supporting, BP4, BP5